The following is an entry in ClinVar:

ClinVar aggregate classification (germline): Pathogenic (1 of 4 stars; one submission).

Submission:

GeneDx
Classification: Pathogenic. Last evaluated: 2016-07-07. Review status: criteria provided, single submitter. Criteria: GeneDx Variant Classification (06012015). Collection method: clinical testing. Allele origin: germline. Affected: yes.
Comment: The c.3044_3071del28 variant in the PTCH1 gene has not been reported previously as a pathogenic variant, nor as a benign variant, to our knowledge. This variant causes a frameshift starting with codon Phenylalanine 1015, changes this amino acid to a Serine residue and creates a premature Stop codon at position 25 of the new reading frame, denoted p.Phe1015SerfsX25. This variant is predicted to cause loss of normal protein function either through protein truncation or nonsense-mediated mRNA decay. The c.3044_3071del28 variant was not observed in approximately 6,500 individuals of European and African American ancestry in the NHLBI Exome Sequencing Project, indicating it is not a common benign variant in these populations. Based on currently available evidence, we consider c.3044_3071del28 to be pathogenic.

NM_000264.5(PTCH1):c.3044_3071del (p.Phe1015fs)

Gene: PTCH1 (patched 1; minus strand). Cytogenetic location: 9q22.32.
Variant type: Deletion.
Coding change: c.3044_3071del on transcript NM_000264.5 (MANE Select); coding-DNA positions 3044 to 3071, 28 bases deleted (TCCTCTTCTGGGAGCAGTACATCGGCCT).
Protein change: p.Phe1015fs; shifts the reading frame from phenylalanine 1015.
Molecular consequence: frameshift variant. On other transcripts: non-coding transcript variant (1).
Genome position (GRCh38, 1-based): chr9:95,458,110-95,458,137, AGGCCGATGTACTGCTCCCAGAAGAGGA deleted on the plus strand (TCCTCTTCTGGGAGCAGTACATCGGCCT on the coding strand, the reverse complement: PTCH1 is on the minus strand); deleting any 28 consecutive bases within chr9:95,458,110-95,458,140 gives the same sequence; the c. name uses the placement nearest the transcript's 3' end. VCF-style (leftmost placement, unchanged base first): chr9-95458109-GAGGCCGATGTACTGCTCCCAGAAGAGGA-G. GRCh37 (hg19) VCF-style: chr9-98220391-GAGGCCGATGTACTGCTCCCAGAAGAGGA-G.
Other names: c.3044_3071delTCCTCTTCTGGGAGCAGTACATCGGCCT (NM_000264.3); c.2846_2873del, p.Phe949fs (NM_001083602.3); c.3041_3068del, p.Phe1014fs (NM_001083603.3); c.2591_2618del, p.Phe864fs (NM_001083604.3, NM_001083605.3, NM_001083606.3 and 1 more transcripts); c.2888_2915del, p.Phe963fs (NM_001354918.2); short protein forms F949fs, F1015fs, F1014fs, F864fs, F963fs.
Identifiers: ClinVar variation 265626 (VCV000265626.2), dbSNP rs886039678, ClinGen allele CA10588476.
Genomic context (GRCh38, chr9:95,458,109, plus strand): 5'-AGCGCACACGAGGAATGTGCAGGCCAACACCACGCTGATGAACAGCAGCAGCCAGTGGCG[GAGGCCGATGTACTGCTCCCAGAAGAGGA>G]AGGGGTAGCCGTTGGGGTAACTGGACAGCCCCAGGCTCGTATAGTTGCTGCAGATGGTCC-3'